The following is an entry in ClinVar:

NM_176787.5(PIGN):c.344-1G>T

Gene: PIGN (phosphatidylinositol glycan anchor biosynthesis class N; minus strand). Cytogenetic location: 18q21.33.
Variant type: single nucleotide variant.
Coding change: c.344-1G>T on transcript NM_176787.5 (MANE Select); the canonical splice acceptor site of the intron before coding-DNA position 344, G replaced by T.
Molecular consequence: splice acceptor variant.
Genome position (GRCh38, 1-based): chr18:62,157,228, C>A on the plus strand (G>T on the coding strand, the complement: PIGN is on the minus strand). VCF-style: chr18-62157228-C-A. GRCh37 (hg19) VCF-style: chr18-59824461-C-A.
Other names: c.344-1G>T (NM_012327.6).
Identifiers: ClinVar variation 948202 (VCV000948202.8), dbSNP rs776568529, ClinGen allele CA8982596.

ClinVar aggregate classification (germline): Likely pathogenic (1 of 4 stars; one submission).

Conditions:
Multiple congenital anomalies-hypotonia-seizures syndrome 1 (MCAHS1). Also called: GLYCOSYLPHOSPHATIDYLINOSITOL BIOSYNTHESIS DEFECT 3; PIGN-CDG; Congenital disorder of glycosylation due to PIGN deficiency. Identifiers: Orphanet 280633, MedGen C3279775, MONDO:0013563, OMIM 614080.

Allele frequency attached by ClinVar (database versions not stated): gnomAD exomes below 0.00001 and 0.00001; gnomAD 0.00001; ExAC 0.00003.
gnomAD v4.1: 5 of 1,547,226 alleles (0.00032%); highest among the groups gnomAD compares: Non-Finnish European, 0.00045%; no homozygotes.

Submission:

Labcorp Genetics (formerly Invitae), Labcorp
Classification: Likely pathogenic for Multiple congenital anomalies-hypotonia-seizures syndrome 1. Last evaluated: 2023-08-14. Review status: criteria provided, single submitter. Criteria: Invitae Variant Classification Sherloc (09022015). Collection method: clinical testing. Allele origin: germline.
Comment: Algorithms developed to predict the effect of sequence changes on RNA splicing suggest that this variant may disrupt the consensus splice site. ClinVar contains an entry for this variant (Variation ID: 948202). This sequence change affects an acceptor splice site in intron 5 of the PIGN gene. It is expected to disrupt RNA splicing. Variants that disrupt the donor or acceptor splice site typically lead to a loss of protein function (PMID: 16199547), and loss-of-function variants in PIGN are known to be pathogenic (PMID: 24253414, 27038415). This variant has not been reported in the literature in individuals affected with PIGN-related conditions. The frequency data for this variant in the population databases is considered unreliable, as metrics indicate poor data quality at this position in the gnomAD database. In summary, the currently available evidence indicates that the variant is pathogenic, but additional data are needed to prove that conclusively. Therefore, this variant has been classified as Likely Pathogenic.

Literature cited by the submitters: PubMed 16199547; PubMed 24253414; PubMed 27038415.